The following continues an entry in ClinVar:

NM_007294.4(BRCA1):c.5207T>C (p.Val1736Ala)

Gene: BRCA1. ClinVar aggregate classification (germline): Pathogenic. Pathogenic (1).

Submissions 15 to 27 of 27:

Laboratory for Molecular Medicine, Mass General Brigham Personalized Medicine
Classification: Likely pathogenic for Hereditary breast ovarian cancer syndrome. Last evaluated: 2019-10-14. Review status: criteria provided, single submitter. Criteria: ACMG Guidelines, 2015. Collection method: clinical testing. Allele origin: germline. Not counted in ClinVar's aggregate classification.
Comment: The p.Val1736Ala variant in BRCA1 has been identified in at least 5 individuals with BRCA1-associated cancer and segregated with disease in 4 affected relatives, including 1 obligate carrier (Akbari 2011, Domchek 2013, Finch 2016, Thompson 2016). One of the probands with ovarian cancer, short stature, and developmental delay also carried a loss-of-function variant in BRCA1 in trans (Domchek 2013). This variant was absent from large population studies but has been reported in ClinVar (Variation ID# 37648). Computational prediction tools and conservation analysis suggest that this variant may impact the protein. In addition, the majority of in vitro functional studies support a loss-of-function impact on protein function (Carvalho 2007, Lee 2010, Rowling 2010, Domchek 2013, Gaboriau 2015, Woods 2016, Findlay 2018). In summary, although additional studies are required to fully establish its clinical significance, this variant meets criteria to be classified as likely pathogenic for autosomal dominant hereditary breast and ovarian cancer. ACMG/AMP Criteria applied: PM2, PS3_Moderate, PP1, PP3, PS4_Supporting.

Cancer Variant Interpretation Group UK, Institute of Cancer Research, London
Classification: Pathogenic for Hereditary Breast and Ovarian Cancer. Last evaluated: 2018-07-13. Review status: criteria provided, single submitter. Criteria: ACMG Guidelines, 2015. Collection method: clinical testing. Allele origin: germline. Affected: yes. Observed: 6 variant alleles. Not counted in ClinVar's aggregate classification.
Comment: Data used in classification: The variant was observed in 6 independent UK families undergoing clinical diagnostic testing, the denominator of which dataset of clinical testing was 16,600. Case control comparison against ethnically matched population data (6/16,600 in familial cases against 0/63,369 GNOMAD NFE controls passoc=1.7x10-6 pexact= 8.0x10-5 (PS4_very strong). Seven additional families have been identified in the UK (not included in the previous dataset).There are additional reports of this variant in ClinVar, BIC and BRCA1 LOVD. The variant is absent in the remainder of the GNOMAD populations (75,263 individuals) (PM2). Predicted deleterious on AlignGVGD, SIFT, Polyphen2 HumVar (PP3). Variant found in trans in individual with a phenotype deemed compatible with Fanconi spectrum, including early onset ovarian cancer and sever chemosensitivity (ref PMID:23269703, Domchek 2013) (PM3). Located in BRCT1 domain (PM1_supp). Non-functional using saturation genome editing in haploid BRCA1 cellular model (Findlay et al 2018, BioARchiv). Impaired function on multiple asssays (ref PMID:23269703, Domchek 2013) (PS3_mod). Segregation reported by Domchek et al (5 meioses). Segregation reported by Ambry (5-9 meioses, not clear if independent from Domchek) (PP1_strong). Comment: The observation of this variant in trans with an established pathogenic variant in the Myriad data set strongly influenced the early classification by ENIGMA of this variant as benign (Easton et al 2007), as it had been believed that biallelic germline mutations in BRCA1 were embryonic lethal. However, since 2007, a number of individuals have been reported with biallelic pathogenic mutations in BRCA1.

ARUP Laboratories, Molecular Genetics and Genomics, ARUP Laboratories
Classification: Likely pathogenic. Last evaluated: 2017-11-08. Review status: criteria provided, single submitter. Criteria: ARUP Molecular Germline Variant Investigation Process. Collection method: clinical testing. Allele origin: germline. Not counted in ClinVar's aggregate classification.

Department of Pathology and Laboratory Medicine, Sinai Health System
Classification: Pathogenic for Familial cancer of breast; Breast-ovarian cancer, familial, susceptibility to, 1; Fanconi anemia, complementation group S. Last evaluated: 2014-10-30. Review status: criteria provided, single submitter. Criteria: ACMG Guidelines, 2015. Collection method: clinical testing. Allele origin: germline. Affected: yes. Not counted in ClinVar's aggregate classification.

True Health Diagnostics
Classification: Pathogenic for Hereditary cancer-predisposing syndrome. Last evaluated: 2017-11-15. Review status: no assertion criteria provided. Collection method: clinical testing. Allele origin: germline. Not counted in ClinVar's aggregate classification.

Counsyl
Classification: Pathogenic for Breast-ovarian cancer, familial, susceptibility to, 1. Last evaluated: 2017-05-17. Review status: no assertion criteria provided. Collection method: clinical testing. Allele origin: unknown. Not counted in ClinVar's aggregate classification.

Research Molecular Genetics Laboratory, Women's College Hospital, University of Toronto
Classification: Likely pathogenic for Hereditary breast ovarian cancer syndrome. Last evaluated: 2015-12-17. Review status: no assertion criteria provided. Collection method: research. Allele origin: germline. Affected: yes. Study: The Canadian Open Genetics Repository (COGR). Not counted in ClinVar's aggregate classification.

Sharing Clinical Reports Project (SCRP)
Classification: Likely pathogenic for Breast-ovarian cancer, familial 1. Last evaluated: 2013-06-01. Review status: no assertion criteria provided. Collection method: clinical testing. Allele origin: germline. Not counted in ClinVar's aggregate classification.

OMIM
Classification: Pathogenic for FANCONI ANEMIA, COMPLEMENTATION GROUP S. Last evaluated: 2013-04-01. Review status: no assertion criteria provided. Collection method: literature only. Allele origin: germline. Not counted in ClinVar's aggregate classification.

OMIM
Classification: Pathogenic for BREAST-OVARIAN CANCER, FAMILIAL, SUSCEPTIBILITY TO, 1. Last evaluated: 2013-04-01. Review status: no assertion criteria provided. Collection method: literature only. Allele origin: germline. Not counted in ClinVar's aggregate classification.

Breast Cancer Information Core (BIC) (BRCA1)
Classification: Uncertain significance for Breast-ovarian cancer, familial 1. Last evaluated: 2002-05-29. Review status: no assertion criteria provided. Collection method: clinical testing. Allele origin: germline. Affected: yes. Observed: 18 variant alleles. Not counted in ClinVar's aggregate classification.

Brotman Baty Institute, University of Washington
No classification provided (evidence only). Condition: Breast-ovarian cancer, familial 1. Review status: no classification provided. Collection method: in vitro. Allele origin: not applicable. Functional consequence: functionally_abnormal. Not counted in ClinVar's aggregate classification.
ClinVar note: "not provided" was previously submitted as the classification for the variant. However, the classification appeared to be based only on an observation of functional data so it was converted to no classification on 2025-07-30.

Department of Pathology and Laboratory Medicine, Sinai Health System
Classification: Pathogenic for Breast-ovarian cancer, familial, susceptibility to, 1. Review status: no assertion criteria provided. Collection method: clinical testing. Allele origin: unknown. Affected: yes. Observed: 3 variant alleles. Study: The Canadian Open Genetics Repository (COGR). Not counted in ClinVar's aggregate classification.
Comment: The p.Val1736Ala variant was identified in 13 individuals or families with breast or ovarian cancer (Domchek 2013, Carvalho 2007), and was found by Domchek (2013) to co-segregate with cancer in multiple families, with a combined odds ratio in favour of p.Val1736Ala being pathogenic of 234:1. Clinical analysis of tumour samples by Domchek (2013) demonstrated loss of the wild-type allele in some tumours; however, Carvalho (2007) found loss of the variant allele in tumour analysis of a proband. The variant listed in dbSNP (ID: rs45553935), HGMD, LOVD, and the BIC database (18 with unknown clinical importance). The variant was classified as pathogenic by the Sharing Clinical Reports Project (SCRP) (submitted within the ClinVar database and derived from Myriad reports). The p.Val1736 residue is conserved across mammals and lower organisms, and computational analyses (PolyPhen-2, SIFT, AlignGVGD, MutationTaster) suggest that the p.Val1736Ala variant may impact the protein. However, this information is not predictive enough to assume pathogenicity. The residue is located in a linker region within the BRCT domain of BRCA1, and the authors of different studies suggest that the p.Val1736Ala variant may affect the stability of the protein and have a long range effect on the binding site (Carvalho 2007, Rowling 2010, Domchek 2013). Rowling (2010) demonstrated a moderately destabilizing effect on the BRCA1 protein using a biophysical approach, Lee (2010) found a significant effect on protein folding stability using a proteolysis assay, and Mirkovic (2004) and Karchin (2007) predicted a deleterious effect on the protein using in silico models. In addition, two studies showed a strong defect on the transcriptional activity of the variant protein (Carvalho 2007, Lee 2010). The results of other assays and analyses in the literature are somewhat conflicting; however these results are limited. One in silico multifactorial-likelihood ratio model classified this as a neutral variant (Easton 2007). One functional study by Rowling (2010) demonstrated that the variant reduced the binding affinity of phosphopeptides; however, another study by Lee (2010) showed intermediate/strong levels of phosphopeptide interaction. In summary, based on the above information, this variant meets our laboratoryâ€šÃ„Ã´s criteria to be classified as pathogenic.

Literature cited by the submitters: PubMed 17308087 (cited by 10 submitters); PubMed 23269703 (cited by 11 submitters); PubMed 30209399 (cited by 7 submitters); PubMed 20378548 (cited by 7 submitters); PubMed 20516115 (cited by 9 submitters); PubMed 16267036 (cited by 3 submitters); PubMed 22476429 (cited by 4 submitters); PubMed 24240112 (cited by Quest Diagnostics Nichols Institute San Juan Capistrano and Counsyl); PubMed 25452441 (cited by 4 submitters); PubMed 25472942 (cited by Quest Diagnostics Nichols Institute San Juan Capistrano and Women's Health and Genetics/Laboratory Corporation of America, LabCorp); PubMed 30055521 (cited by Quest Diagnostics Nichols Institute San Juan Capistrano and Women's Health and Genetics/Laboratory Corporation of America, LabCorp); PubMed 26219728 (cited by 6 submitters); PubMed 28283652 (cited by 3 submitters); PubMed 26786923 (cited by 6 submitters); PubMed 15004537 (cited by Quest Diagnostics Nichols Institute San Juan Capistrano); PubMed 23867111 (cited by 3 submitters); PubMed 36927983 (cited by Quest Diagnostics Nichols Institute San Juan Capistrano and Center for Genomic Medicine, Rigshospitalet, Copenhagen University Hospital); PubMed 35196514 (cited by Quest Diagnostics Nichols Institute San Juan Capistrano and Color Diagnostics, LLC DBA Color Health); PubMed 25748678 (cited by 5 submitters); PubMed 26295337 (cited by Quest Diagnostics Nichols Institute San Juan Capistrano); PubMed 17305420 (cited by 5 submitters); PubMed 29884841 (cited by Color Diagnostics, LLC DBA Color Health); PubMed 31853058 (cited by Color Diagnostics, LLC DBA Color Health); PubMed 32546644 (cited by Color Diagnostics, LLC DBA Color Health and Ambry Genetics); PubMed 33471991 (cited by Color Diagnostics, LLC DBA Color Health); PubMed 15172985 (cited by 3 submitters); PubMed 15235020 (cited by 4 submitters); PubMed 21447777 (cited by 4 submitters); PubMed 21702907 (cited by 3 submitters); PubMed 21965345 (cited by 3 submitters); PubMed 29712865 (cited by 3 submitters); PubMed 30765603 (cited by Ambry Genetics and Women's Health and Genetics/Laboratory Corporation of America, LabCorp); PubMed 34308104 (cited by Ambry Genetics); PubMed 17924331 (cited by 4 submitters); PubMed 23580280 (cited by Women's Health and Genetics/Laboratory Corporation of America, LabCorp); PubMed 26913838 (cited by Women's Health and Genetics/Laboratory Corporation of America, LabCorp); PubMed 28781887 (cited by Women's Health and Genetics/Laboratory Corporation of America, LabCorp and Laboratory for Molecular Medicine, Mass General Brigham Personalized Medicine); PubMed 31341520 (cited by Women's Health and Genetics/Laboratory Corporation of America, LabCorp); PubMed 31347298 (cited by Women's Health and Genetics/Laboratory Corporation of America, LabCorp); PubMed 25782689 (cited by Laboratory for Molecular Medicine, Mass General Brigham Personalized Medicine).